The following is an entry in ClinVar:

NM_001371727.1(GABRB2):c.553A>G (p.Thr185Ala)

Gene: GABRB2 (gamma-aminobutyric acid type A receptor subunit beta2; minus strand). Cytogenetic location: 5q34.
Variant type: single nucleotide variant.
Coding change: c.553A>G on transcript NM_001371727.1 (MANE Select); coding-DNA position 553, A replaced by G.
Protein change: p.Thr185Ala; replaces threonine 185 with alanine.
Molecular consequence: missense variant.
Genome position (GRCh38, 1-based): chr5:161,336,758, T>C on the plus strand (A>G on the coding strand, the complement: GABRB2 is on the minus strand). VCF-style: chr5-161336758-T-C. GRCh37 (hg19) VCF-style: chr5-160763765-T-C.
Other names: c.553A>G, p.Thr185Ala (NM_021911.3, NM_000813.3); short protein forms T185A.
Identifiers: ClinVar variation 2692893 (VCV002692893.3), dbSNP rs2546559654, ClinGen allele CA362172320.

ClinVar aggregate classification (germline): Uncertain significance (1 of 4 stars; one submission).

Conditions:
Intellectual disability. Also called: Intellectual functioning disability; intellectual disabilities; Intellectual developmental disorder. Identifiers: MedGen C3714756, MeSH D008607, MONDO:0001071, HP:0001249.

Submission:

Labcorp Genetics (formerly Invitae), Labcorp
Classification: Uncertain significance for Intellectual disability. Last evaluated: 2023-06-05. Review status: criteria provided, single submitter. Criteria: Invitae Variant Classification Sherloc (09022015). Collection method: clinical testing. Allele origin: germline.
Comment: Advanced modeling of protein sequence and biophysical properties (such as structural, functional, and spatial information, amino acid conservation, physicochemical variation, residue mobility, and thermodynamic stability) has been performed at Invitae for this missense variant, however the output from this modeling did not meet the statistical confidence thresholds required to predict the impact of this variant on GABRB2 protein function. In summary, the available evidence is currently insufficient to determine the role of this variant in disease. Therefore, it has been classified as a Variant of Uncertain Significance. This variant has not been reported in the literature in individuals affected with GABRB2-related conditions. This sequence change replaces threonine, which is neutral and polar, with alanine, which is neutral and non-polar, at codon 185 of the GABRB2 protein (p.Thr185Ala). This variant is not present in population databases (gnomAD no frequency).